The following is an entry in ClinVar:

ClinVar aggregate classification (germline): Uncertain significance (1 of 4 stars; one submission).

Submission:

GeneDx
Classification: Uncertain significance. Last evaluated: 2019-12-13. Review status: criteria provided, single submitter. Criteria: GeneDx Variant Classification Process June 2021. Collection method: clinical testing. Allele origin: germline. Affected: yes.
Comment: Not observed in large population cohorts (Lek et al., 2016); In silico analysis, which includes protein predictors and evolutionary conservation, supports a deleterious effect; Has not been previously published as pathogenic or benign to our knowledge

NM_001035.3(RYR2):c.2966C>A (p.Thr989Asn)

Gene: RYR2 (ryanodine receptor 2; plus strand). Cytogenetic location: 1q43.
Variant type: single nucleotide variant.
Coding change: c.2966C>A on transcript NM_001035.3 (MANE Select); coding-DNA position 2966, C replaced by A.
Protein change: p.Thr989Asn; replaces threonine 989 with asparagine.
Molecular consequence: missense variant.
Genome position (GRCh38, 1-based): chr1:237,548,490, C>A. VCF-style: chr1-237548490-C-A. GRCh37 (hg19) VCF-style: chr1-237711790-C-A.
Other names: short protein forms T989N.
Identifiers: ClinVar variation 1316520 (VCV001316520.2), dbSNP rs2148090128, ClinGen allele CA345393547.
Genomic context (GRCh38, chr1:237,548,490, plus strand): 5'-GTTACCAGCTGACAAGTGGATACAAGCCTGCCCCTATGGACCTGAGCTTTATCAAACTCA[C>A]CCCATCACAAGAAGCAATGGTGGACAAGTTGGCAGAAAATGCACATAATGTGTGGGCGCG-3'
Protein context (NP_001026.2, residues 979-999): APMDLSFIKL[Thr989Asn]PSQEAMVDKL